The following is an entry in ClinVar:

ClinVar aggregate classification (germline): Likely pathogenic (1 of 4 stars; one submission).

Conditions:
Roberts-SC phocomelia syndrome (RBS). Also called: LONG BONE DEFICIENCIES ASSOCIATED WITH CLEFT LIP-PALATE; Hypomelia hypotrichosis facial hemangioma syndrome; Pseudothalidomide syndrome; Appelt-Gerken-Lenz syndrome; ESCO2 Spectrum Disorder. Identifiers: Orphanet 3103, MedGen C0392475, MONDO:0100253, OMIM 268300.

Submission:

Breakthrough Genomics
Classification: Likely pathogenic for Roberts-SC phocomelia syndrome. Last evaluated: 2020-06-28. Review status: criteria provided, single submitter. Criteria: ACMG Guidelines, 2015. Collection method: clinical testing. Allele origin: germline. Affected: yes.
Comment: This variant is predicted to cause a frameshift and consequent premature termination of the protein and the resultant protein is likely to lack the catalytic acetyltransferase domain [PMID: 28847955] and this will likely result in loss-of-function. The variant seems to be a novel variant, as it has not been previously reported in population or public databases or in the literature.

NM_001017420.3(ESCO2):c.1676del (p.Asn559fs)

Gene: ESCO2 (establishment of sister chromatid cohesion N-acetyltransferase 2; plus strand). Cytogenetic location: 8p21.1.
Variant type: Deletion.
Coding change: c.1676del on transcript NM_001017420.3 (MANE Select); coding-DNA position 1676, one base deleted (A; older notation c.1676delA).
Protein change: p.Asn559fs; shifts the reading frame from asparagine 559.
Molecular consequence: frameshift variant.
Genome position (GRCh38, 1-based): chr8:27,803,308, A deleted; the last of 2 consecutive A bases (chr8:27,803,307-27,803,308); deleting either gives the same sequence. VCF-style (leftmost placement, unchanged base first): chr8-27803306-GA-G. GRCh37 (hg19) VCF-style: chr8-27660823-GA-G.
Other names: p.Asn559IlefsTer14; short protein forms N559fs.
Identifiers: ClinVar variation 3255591 (VCV003255591.2).